The following is an entry in ClinVar:

ClinVar aggregate classification (germline): Uncertain significance (1 of 4 stars; one submission).

Conditions:
LEPR-related disorder. Also called: LEPR-related disorders; LEPR-related condition.

gnomAD v4.1: 3 of 1,614,042 alleles (0.00019%); highest among the groups gnomAD compares: Non-Finnish European, 0.00025%; no homozygotes.

Submission:

PreventionGenetics, part of Exact Sciences
Classification: Uncertain significance for LEPR-related condition. Last evaluated: 2025-02-06. Review status: criteria provided, single submitter. Criteria: ACMG Guidelines, 2015. Collection method: clinical testing. Allele origin: germline.
Comment: The LEPR c.3056C>G variant is predicted to result in the amino acid substitution p.Pro1019Arg. This variant was observed in a cohort of individuals with obesity, and in vitro functional studies showed function similar to wild-type levels (Supplemental Data Set, Shah et al. 2023. PubMed ID: 36864747). This variant is reported in 0.00089% of alleles in individuals of European (Non-Finnish) descent in gnomAD. At this time, the clinical significance of this variant is uncertain due to the absence of conclusive functional and genetic evidence.

NM_002303.6(LEPR):c.3056C>G (p.Pro1019Arg)

Gene: LEPR (leptin receptor; plus strand). Cytogenetic location: 1p31.3.
Variant type: single nucleotide variant.
Coding change: c.3056C>G on transcript NM_002303.6 (MANE Select); coding-DNA position 3056, C replaced by G.
Protein change: p.Pro1019Arg; replaces proline 1019 with arginine.
Molecular consequence: missense variant.
Genome position (GRCh38, 1-based): chr1:65,636,573, C>G. VCF-style: chr1-65636573-C-G. GRCh37 (hg19) VCF-style: chr1-66102256-C-G.
Other names: short protein forms P1019R.
Identifiers: ClinVar variation 5000861 (VCV005000861.1).
Genomic context (GRCh38, chr1:65,636,573, plus strand): 5'-GTGAAGAACAAGGGCTTATAAATAGTTCAGTCACCAAGTGCTTCTCTAGCAAAAATTCTC[C>G]GTTGAAGGATTCTTTCTCTAATAGCTCATGGGAGATAGAGGCCCAGGCATTTTTTATATT-3'
Protein context (NP_002294.2, residues 1009-1029): VTKCFSSKNS[Pro1019Arg]LKDSFSNSSW